The following is an entry in ClinVar:

NM_002941.4(ROBO1):c.2201A>G (p.Asn734Ser)

Gene: ROBO1 (roundabout guidance receptor 1; minus strand). Cytogenetic location: 3p12.3.
Variant type: single nucleotide variant.
Coding change: c.2201A>G on transcript NM_002941.4 (MANE Select); coding-DNA position 2201, A replaced by G.
Protein change: p.Asn734Ser; replaces asparagine 734 with serine.
Molecular consequence: missense variant.
Genome position (GRCh38, 1-based): chr3:78,661,149, T>C on the plus strand (A>G on the coding strand, the complement: ROBO1 is on the minus strand). VCF-style: chr3-78661149-T-C. GRCh37 (hg19) VCF-style: chr3-78710299-T-C.
Other names: c.2093A>G, p.Asn698Ser (NM_001145844.1, NM_001145845.2, NM_133631.4); short protein forms N698S, N734S.
Identifiers: ClinVar variation 2994903 (VCV002994903.3), dbSNP rs757179233, ClinGen allele CA2498741.

ClinVar aggregate classification (germline): Uncertain significance (1 of 4 stars; one submission).

Allele frequency attached by ClinVar (database versions not stated): ExAC 0.00003; gnomAD exomes 0.00001; TOPMed 0.00001; gnomAD 0.00001.

Submission:

Labcorp Genetics (formerly Invitae), Labcorp
Classification: Uncertain significance. Last evaluated: 2025-08-04. Review status: criteria provided, single submitter. Criteria: Invitae Variant Classification Sherloc (09022015). Collection method: clinical testing. Allele origin: germline.
Comment: This sequence change replaces asparagine, which is neutral and polar, with serine, which is neutral and polar, at codon 734 of the ROBO1 protein (p.Asn734Ser). This variant is present in population databases (rs757179233, gnomAD 0.05%). This variant has not been reported in the literature in individuals affected with ROBO1-related conditions. ClinVar contains an entry for this variant (Variation ID: 2994903). Invitae Evidence Modeling of protein sequence and biophysical properties (such as structural, functional, and spatial information, amino acid conservation, physicochemical variation, residue mobility, and thermodynamic stability) indicates that this missense variant is not expected to disrupt ROBO1 protein function with a negative predictive value of 95%. In summary, the available evidence is currently insufficient to determine the role of this variant in disease. Therefore, it has been classified as a Variant of Uncertain Significance.